The following is an entry in ClinVar:

NM_004990.4(MARS1):c.95C>G (p.Thr32Ser)

Genes: ARHGAP9 (Rho GTPase activating protein 9; minus strand), MARS1 (methionyl-tRNA synthetase 1; plus strand). Cytogenetic location: 12q13.3.
Variant type: single nucleotide variant.
Coding change: c.95C>G on transcript NM_004990.4 (MANE Select); coding-DNA position 95, C replaced by G.
Protein change: p.Thr32Ser; replaces threonine 32 with serine.
Molecular consequence: missense variant. On other transcripts: intron variant (1).
Genome position (GRCh38, 1-based): chr12:57,488,185, C>G. VCF-style: chr12-57488185-C-G. GRCh37 (hg19) VCF-style: chr12-57881968-C-G.
Other names: c.-204+427G>C (NM_001319850.2); short protein forms T32S.
Identifiers: ClinVar variation 475435 (VCV000475435.15), dbSNP rs11540809, ClinGen allele CA6650017.

ClinVar aggregate classification (germline): Uncertain significance. Review status: criteria provided, multiple submitters, no conflicts (2 of 4 stars). 4 submissions from 4 submitters: Uncertain significance (4). Last evaluated 2026-05-18.

Conditions:
Severe early-onset pulmonary alveolar proteinosis due to MARS deficiency. Also called: PULMONARY ALVEOLAR PROTEINOSIS, REUNION ISLAND; Interstitial lung and liver disease. Identifiers: Orphanet 440427, MedGen C4225400, MONDO:0014206, OMIM 615486.
Charcot-Marie-Tooth disease axonal type 2U. Also called: CHARCOT-MARIE-TOOTH NEUROPATHY, TYPE 2U; CHARCOT-MARIE-TOOTH DISEASE, AXONAL, AUTOSOMAL DOMINANT, TYPE 2U. Identifiers: Orphanet 397735, MedGen C4084821, MONDO:0014566, OMIM 616280.
MARS1-related disorder. Also called: MARS1-related condition.

Allele frequency attached by ClinVar (database versions not stated): gnomAD 0.00014; TOPMed 0.00011; ESP Exome Variant Server 0.00015.
gnomAD v4.1: 222 of 1,613,270 alleles (0.014%); highest among the groups gnomAD compares: Non-Finnish European, 0.018%; no homozygotes.

Submissions (4):

PreventionGenetics, part of Exact Sciences
Classification: Uncertain significance for MARS1-related condition. Last evaluated: 2026-05-18. Review status: criteria provided, single submitter. Criteria: ACMG Guidelines, 2015. Collection method: clinical testing. Allele origin: germline.
Comment: The MARS1 c.95C>G variant is predicted to result in the amino acid substitution p.Thr32Ser. To our knowledge, this variant has not been reported in the literature. This variant is reported in 0.016% of alleles in individuals of African descent in gnomAD. At this time, the clinical significance of this variant is uncertain due to the absence of conclusive functional and genetic evidence.

Labcorp Genetics (formerly Invitae), Labcorp
Classification: Uncertain significance for Charcot-Marie-Tooth disease axonal type 2U; Severe early-onset pulmonary alveolar proteinosis due to MARS deficiency. Last evaluated: 2026-01-26. Review status: criteria provided, single submitter. Criteria: Invitae Variant Classification Sherloc (09022015). Collection method: clinical testing. Allele origin: germline.
Comment: This sequence change replaces threonine, which is neutral and polar, with serine, which is neutral and polar, at codon 32 of the MARS protein (p.Thr32Ser). This variant is present in population databases (rs11540809, gnomAD 0.02%). This variant has not been reported in the literature in individuals affected with MARS-related conditions. ClinVar contains an entry for this variant (Variation ID: 475435). An algorithm developed to predict the effect of missense changes on protein structure and function (PolyPhen-2) suggests that this variant is likely to be tolerated. In summary, the available evidence is currently insufficient to determine the role of this variant in disease. Therefore, it has been classified as a Variant of Uncertain Significance.

Women's Health and Genetics/Laboratory Corporation of America, LabCorp
Classification: Uncertain significance. Last evaluated: 2025-03-16. Review status: criteria provided, single submitter. Criteria: LabCorp Variant Classification Summary - May 2015. Collection method: clinical testing. Allele origin: germline.
Comment: Variant summary: MARS1 c.95C>G (p.Thr32Ser) results in a conservative amino acid change located in the Glutathione S-transferase, N-terminal domain (IPR041598) of the encoded protein sequence. Four of five in-silico tools predict a benign effect of the variant on protein function. The variant allele was found at a frequency of 0.00014 in 1613270 control chromosomes. This frequency is not significantly higher than estimated for a pathogenic variant in MARS1 causing Severe early-onset pulmonary alveolar proteinosis due to MARS deficiency (0.00014 vs 0.0011), allowing no conclusion about variant significance. To our knowledge, no occurrence of c.95C>G in individuals affected with Severe early-onset pulmonary alveolar proteinosis due to MARS deficiency and no experimental evidence demonstrating its impact on protein function have been reported. ClinVar contains an entry for this variant (Variation ID: 475435). Based on the evidence outlined above, the variant was classified as uncertain significance.

Ambry Genetics
Classification: Uncertain significance. Last evaluated: 2025-01-21. Review status: criteria provided, single submitter. Criteria: Ambry Variant Classification Scheme 2023. Collection method: clinical testing. Allele origin: germline.
Comment: Unlikely to be causative of MARS1-related Charcot-Marie-Tooth disease, type 2 (AD) Based on insufficient or conflicting evidence, the clinical significance of this alteration remains unclear.